The following is an entry in ClinVar:

NM_000017.4(ACADS):c.360C>T (p.Asn120=)

Gene: ACADS (acyl-CoA dehydrogenase short chain; plus strand). Cytogenetic location: 12q24.31.
Variant type: single nucleotide variant.
Coding change: c.360C>T on transcript NM_000017.4 (MANE Select); coding-DNA position 360, C replaced by T.
Protein change: p.Asn120=; no amino-acid change (asparagine 120 retained).
Molecular consequence: synonymous variant.
Genome position (GRCh38, 1-based): chr12:120,737,135, C>T. VCF-style: chr12-120737135-C-T. GRCh37 (hg19) VCF-style: chr12-121174938-C-T.
Other names: p.N120N:AAC>AAT; p.Asn120=; c.360C>T, p.Asn120= (NM_001302554.2).
Identifiers: ClinVar variation 196197 (VCV000196197.29), dbSNP rs76543640, ClinGen allele CA302923.
Genomic context (GRCh38, chr12:120,737,135, plus strand): 5'-CGCCATGGAGGAGATCAGCCGTGGCTGCGCCTCCACCGGAGTCATCATGAGTGTCAACAA[C>T]GTGAGCCCCCTCCCAGGCCCCTGGGACACACGGGTGGAGGGAGGCTCCCGTGAGCGGGCA-3'
Protein context (NP_000008.1, residues 110-130): ASTGVIMSVN[Asn120=]SLYLGPILKF

ClinVar aggregate classification (germline): Benign. Review status: criteria provided, multiple submitters, no conflicts (2 of 4 stars). 8 submissions from 8 submitters: Benign (8). Last evaluated 2026-02-01.

Conditions:
Deficiency of butyryl-CoA dehydrogenase (ACADSD). Also called: SCADH DEFICIENCY; SCAD DEFICIENCY, MILD; ACYL-CoA DEHYDROGENASE, SHORT-CHAIN, DEFICIENCY OF; ACADS DEFICIENCY; SCAD Deficiency; Short-Chain Acyl-CoA Dehydrogenase Deficiency. Identifiers: Orphanet 26792, MedGen C0342783, MONDO:0008722, OMIM 201470. Disease mechanism: May be benign.

Allele frequency attached by ClinVar (database versions not stated): ESP Exome Variant Server 0.00694; gnomAD 0.01346 and 0.01884; gnomAD exomes 0.01681 and 0.03670; TOPMed 0.01856; ExAC 0.05600; 1000 Genomes Project 30x 0.06980; 1000 Genomes Project 0.07608.
gnomAD v4.1: 27,641 of 1,579,494 alleles (1.7%); highest among the groups gnomAD compares: East Asian, 24%; 1,656 homozygotes.

Submissions (8):

Labcorp Genetics (formerly Invitae), Labcorp
Classification: Benign for Deficiency of butyryl-CoA dehydrogenase. Last evaluated: 2026-02-01. Review status: criteria provided, single submitter. Criteria: Invitae Variant Classification Sherloc (09022015). Collection method: clinical testing. Allele origin: germline.

ARUP Laboratories, Molecular Genetics and Genomics, ARUP Laboratories
Classification: Benign for Deficiency of butyryl-CoA dehydrogenase. Last evaluated: 2025-04-18. Review status: criteria provided, single submitter. Criteria: ARUP Molecular Germline Variant Investigation Process 2024. Collection method: clinical testing. Allele origin: germline.

Mayo Clinic Laboratories, Mayo Clinic
Classification: Benign. Last evaluated: 2021-07-09. Review status: criteria provided, single submitter. Criteria: ACMG Guidelines, 2015. Collection method: clinical testing. Allele origin: germline. Observed: 31 variant alleles.

Illumina Laboratory Services, Illumina
Classification: Benign for Deficiency of butyryl-CoA dehydrogenase. Last evaluated: 2018-01-13. Review status: criteria provided, single submitter. Criteria: ICSL Variant Classification Criteria 13 December 2019. Collection method: clinical testing. Allele origin: germline.
Comment: This variant was observed in the ICSL laboratory as part of a predisposition screen in an ostensibly healthy population. It had not been previously curated by ICSL or reported in the Human Gene Mutation Database (HGMD: prior to June 1st, 2018), and was therefore a candidate for classification through an automated scoring system. Utilizing variant allele frequency, disease prevalence and penetrance estimates, and inheritance mode, an automated score was calculated to assess if this variant is too frequent to cause the disease. Based on the score and internal cut-off values, a variant classified as benign is not then subjected to further curation. The score for this variant resulted in a classification of benign for this disease.

Eurofins Ntd Llc (ga)
Classification: Benign. Last evaluated: 2014-12-30. Review status: criteria provided, single submitter. Criteria: EGL Classification Definitions 2015. Collection method: clinical testing. Allele origin: germline. Observed: 1 variant allele, 1 heterozygote.

GeneDx
Classification: Benign. Last evaluated: 2014-11-05. Review status: criteria provided, single submitter. Criteria: GeneDx Variant Classification (06012015). Collection method: clinical testing. Allele origin: germline. Affected: yes.
Comment: This variant is considered likely benign or benign based on one or more of the following criteria: it is a conservative change, it occurs at a poorly conserved position in the protein, it is predicted to be benign by multiple in silico algorithms, and/or has population frequency not consistent with disease.

Breakthrough Genomics
Classification: Benign. Review status: criteria provided, single submitter. Criteria: ACMG Guidelines, 2015. Collection method: not provided. Allele origin: germline. Inheritance: Autosomal recessive inheritance. Affected: yes.

PreventionGenetics, part of Exact Sciences
Classification: Benign. Review status: criteria provided, single submitter. Criteria: ACMG Guidelines, 2015. Collection method: clinical testing. Allele origin: germline.